The following is an entry in ClinVar:

ClinVar aggregate classification (germline): Uncertain significance (1 of 4 stars; one submission).

Allele frequency attached by ClinVar (database versions not stated): gnomAD exomes below 0.00001; gnomAD 0.00001.
gnomAD v4.1: 2 of 1,613,704 alleles (0.00012%); highest among the groups gnomAD compares: East Asian, 0.0022%; no homozygotes.

Submission:

Labcorp Genetics (formerly Invitae), Labcorp
Classification: Uncertain significance. Last evaluated: 2024-06-02. Review status: criteria provided, single submitter. Criteria: Invitae Variant Classification Sherloc (09022015). Collection method: clinical testing. Allele origin: germline.
Comment: This sequence change replaces glutamic acid, which is acidic and polar, with lysine, which is basic and polar, at codon 1412 of the SAMD9L protein (p.Glu1412Lys). This variant is present in population databases (no rsID available, gnomAD 0.06%). This variant has not been reported in the literature in individuals affected with SAMD9L-related conditions. ClinVar contains an entry for this variant (Variation ID: 1719571). Advanced modeling of protein sequence and biophysical properties (such as structural, functional, and spatial information, amino acid conservation, physicochemical variation, residue mobility, and thermodynamic stability) performed at Invitae indicates that this missense variant is not expected to disrupt SAMD9L protein function with a negative predictive value of 80%. In summary, the available evidence is currently insufficient to determine the role of this variant in disease. Therefore, it has been classified as a Variant of Uncertain Significance.

NM_152703.5(SAMD9L):c.4234G>A (p.Glu1412Lys)

Gene: SAMD9L (sterile alpha motif domain containing 9 like; minus strand). Cytogenetic location: 7q21.2.
Variant type: single nucleotide variant.
Coding change: c.4234G>A on transcript NM_152703.5 (MANE Select); coding-DNA position 4234, G replaced by A.
Protein change: p.Glu1412Lys; replaces glutamic acid 1412 with lysine.
Molecular consequence: missense variant.
Genome position (GRCh38, 1-based): chr7:93,131,738, C>T on the plus strand (G>A on the coding strand, the complement: SAMD9L is on the minus strand). VCF-style: chr7-93131738-C-T. GRCh37 (hg19) VCF-style: chr7-92761051-C-T.
Other names: c.4234G>A, p.Glu1412Lys (NM_001303496.3, NM_001303497.3, NM_001303498.3 and 5 more transcripts); short protein forms E1412K.
Identifiers: ClinVar variation 1719571 (VCV001719571.5), dbSNP rs1203173505, ClinGen allele CA368175391.